The following is an entry in ClinVar:

NM_000187.4(HGD):c.502G>T (p.Glu168Ter)

Gene: HGD (homogentisate 1,2-dioxygenase; minus strand). Cytogenetic location: 3q13.33.
Variant type: single nucleotide variant.
Coding change: c.502G>T on transcript NM_000187.4 (MANE Select); coding-DNA position 502, G replaced by T.
Protein change: p.Glu168Ter; replaces glutamic acid 168 with a stop codon.
Molecular consequence: nonsense.
Genome position (GRCh38, 1-based): chr3:120,647,020, C>A on the plus strand (G>T on the coding strand, the complement: HGD is on the minus strand). VCF-style: chr3-120647020-C-A. GRCh37 (hg19) VCF-style: chr3-120365867-C-A.
Other names: short protein forms E168*.
Identifiers: ClinVar variation 1450820 (VCV001450820.6), dbSNP rs375283568, ClinGen allele CA354077072.

ClinVar aggregate classification (germline): Pathogenic. Review status: criteria provided, single submitter (1 of 4 stars). 2 submissions from 2 submitters: Pathogenic (1). 1 of the submissions does not count toward it. Last evaluated 2021-10-18.

Conditions:
Alkaptonuria (AKU). Also called: Alcaptonuria; HOMOGENTISIC ACID OXIDASE DEFICIENCY; Alkaptonuric ochronosis; Homogentisic acidura. Identifiers: Orphanet 56, MedGen C0002066, MONDO:0008753, OMIM 203500.

Submissions (2):

Labcorp Genetics (formerly Invitae), Labcorp
Classification: Pathogenic for Alkaptonuria. Last evaluated: 2021-10-18. Review status: criteria provided, single submitter. Criteria: Invitae Variant Classification Sherloc (09022015). Collection method: clinical testing. Allele origin: germline.
Comment: For these reasons, this variant has been classified as Pathogenic. This premature translational stop signal has been observed in individual(s) with clinical features of alkaptonuria (PMID: 19862842). This variant is not present in population databases (ExAC no frequency). This sequence change creates a premature translational stop signal (p.Glu168*) in the HGD gene. It is expected to result in an absent or disrupted protein product. Loss-of-function variants in HGD are known to be pathogenic (PMID: 12501223, 19862842).

Department Of Human Genetics, Institute Of Clinical And Translational Research, Biomedical Research Center, Slovak Academy Of Sciences
Classification: Pathogenic for Alkaptonuria. Review status: no assertion criteria provided. Collection method: research. Allele origin: germline. Inheritance: Autosomal recessive inheritance. Affected: yes. Observed: 1 variant allele. Not counted in ClinVar's aggregate classification.
Comment: The variant was originally described in AKU patient in PMID:19862842. It has been submitted to the HGD gene mutation database (DB-ID: AKU_00052).

Literature cited by the submitters: PubMed 19862842 (cited by Labcorp Genetics (formerly Invitae), Labcorp and Department Of Human Genetics, Institute Of Clinical And Translational Research, Biomedical Research Center, Slovak Academy Of Sciences); PubMed 12501223 (cited by Labcorp Genetics (formerly Invitae), Labcorp).